The following is an entry in ClinVar:

ClinVar aggregate classification (germline): Conflicting classifications of pathogenicity. Review status: criteria provided, conflicting classifications (1 of 4 stars). 2 submissions from 2 submitters: Uncertain significance (1); Likely benign (1). Last evaluated 2024-11-22.

Conditions:
Familial focal epilepsy with variable foci (FPEVF). Identifiers: Orphanet 98820, MedGen C1858477, MONDO:0020310.
Developmental and epileptic encephalopathy 111 (DEE111). Identifiers: MedGen C5882690, MONDO:0957780, OMIM 620504.

Allele frequency attached by ClinVar (database versions not stated): gnomAD 0.00002; gnomAD exomes 0.00002 and 0.00004; ExAC 0.00004; 1000 Genomes Project 0.00020.
gnomAD v4.1: 35 of 1,612,900 alleles (0.0022%); highest among the groups gnomAD compares: South Asian, 0.036%; no homozygotes.

Submissions (2):

Labcorp Genetics (formerly Invitae), Labcorp
Classification: Uncertain significance for Familial focal epilepsy with variable foci. Last evaluated: 2024-11-22. Review status: criteria provided, single submitter. Criteria: Invitae Variant Classification Sherloc (09022015). Collection method: clinical testing. Allele origin: germline.
Comment: This sequence change falls in intron 9 of the DEPDC5 gene. It does not directly change the encoded amino acid sequence of the DEPDC5 protein. It affects a nucleotide within the consensus splice site. This variant is present in population databases (rs553625749, gnomAD 0.03%). This variant has not been reported in the literature in individuals affected with DEPDC5-related conditions. ClinVar contains an entry for this variant (Variation ID: 1055854). Variants that disrupt the consensus splice site are a relatively common cause of aberrant splicing (PMID: 17576681, 9536098). Algorithms developed to predict the effect of sequence changes on RNA splicing suggest that this variant is not likely to affect RNA splicing. In summary, the available evidence is currently insufficient to determine the role of this variant in disease. Therefore, it has been classified as a Variant of Uncertain Significance.

3billion
Classification: Likely benign for Developmental and epileptic encephalopathy 111. Last evaluated: 2024-09-20. Review status: criteria provided, single submitter. Criteria: ACMG Guidelines, 2015. Collection method: clinical testing. Allele origin: germline. Affected: no.
Comment: The homozygous variant was found in patients diagnosed with another variant in a different gene, with no symptoms related to the gene containing the homozygous variant.

Literature cited by the submitters: PubMed 17576681 (cited by Labcorp Genetics (formerly Invitae), Labcorp); PubMed 9536098 (cited by Labcorp Genetics (formerly Invitae), Labcorp).

NM_001242896.3(DEPDC5):c.562+4C>T

Gene: DEPDC5 (DEP domain containing 5, GATOR1 subcomplex subunit; plus strand). Cytogenetic location: 22q12.2.
Variant type: single nucleotide variant.
Coding change: c.562+4C>T on transcript NM_001242896.3 (MANE Select); 4 bases into the intron after coding-DNA position 562, C replaced by T.
Molecular consequence: intron variant.
Genome position (GRCh38, 1-based): chr22:31,783,989, C>T. VCF-style: chr22-31783989-C-T. GRCh37 (hg19) VCF-style: chr22-32179975-C-T.
Other names: c.562+4C>T (NM_001364318.2, NM_001136029.4, NM_014662.6 and 7 more transcripts); c.478+4C>T (NM_001369902.1, NM_001369901.1).
Identifiers: ClinVar variation 1055854 (VCV001055854.8), dbSNP rs553625749, ClinGen allele CA10196016.
Genomic context (GRCh38, chr22:31,783,989, plus strand): 5'-CTATGGTTTACATATTTATTCAGATGAGCTGTGAAATGTGGGATTTTGATATTTATGGTA[C>T]TGTGTCTATGTGCTGATTGTAACTGCTAAGGGGAGAATTTTCTGGAACTGCAAATGCTAA-3'